The following is an entry in ClinVar:

NM_005886.3(KATNB1):c.130C>T (p.Arg44Cys)

Gene: KATNB1 (katanin regulatory subunit B1; plus strand). Cytogenetic location: 16q21.
Variant type: single nucleotide variant.
Coding change: c.130C>T on transcript NM_005886.3 (MANE Select); coding-DNA position 130, C replaced by T.
Protein change: p.Arg44Cys; replaces arginine 44 with cysteine.
Molecular consequence: missense variant.
Genome position (GRCh38, 1-based): chr16:57,741,776, C>T. VCF-style: chr16-57741776-C-T. GRCh37 (hg19) VCF-style: chr16-57775688-C-T.
Other names: short protein forms R44C.
Identifiers: ClinVar variation 1439633 (VCV001439633.8), dbSNP rs201162528, ClinGen allele CA8080622.
Genomic context (GRCh38, chr16:57,741,776, plus strand): 5'-TCCTCACTGGTGCTGGGCAAAGCCTCCGGGCGGCTGCTGGCTACAGGCGGGGATGACTGC[C>T]GCGTCAACCTGTGGTCCATCAACAAGCCCAACTGCATCATGGTGAGCCCCGACAGCTGGC-3'
Protein context (NP_005877.2, residues 34-54): RLLATGGDDC[Arg44Cys]VNLWSINKPN

ClinVar aggregate classification (germline): Uncertain significance (1 of 4 stars; one submission).

Allele frequency attached by ClinVar (database versions not stated): ExAC 0.00001; gnomAD 0.00001; gnomAD exomes 0.00001; 1000 Genomes Project 30x 0.00016; 1000 Genomes Project 0.00020.
gnomAD v4.1: 6 of 1,613,676 alleles (0.00037%); highest among the groups gnomAD compares: East Asian, 0.0022%; no homozygotes.

Submission:

Labcorp Genetics (formerly Invitae), Labcorp
Classification: Uncertain significance. Last evaluated: 2021-03-18. Review status: criteria provided, single submitter. Criteria: Invitae Variant Classification Sherloc (09022015). Collection method: clinical testing. Allele origin: germline.
Comment: Algorithms developed to predict the effect of missense changes on protein structure and function are either unavailable or do not agree on the potential impact of this missense change (SIFT: "Deleterious"; PolyPhen-2: "Probably Damaging"; Align-GVGD: "Class C0"). In summary, the available evidence is currently insufficient to determine the role of this variant in disease. Therefore, it has been classified as a Variant of Uncertain Significance. This variant has not been reported in the literature in individuals with KATNB1-related conditions. This variant is present in population databases (rs201162528, ExAC 0.01%). This sequence change replaces arginine with cysteine at codon 44 of the KATNB1 protein (p.Arg44Cys). The arginine residue is highly conserved and there is a large physicochemical difference between arginine and cysteine.